The following is an entry in ClinVar:

NM_152618.3(BBS12):c.1009G>A (p.Val337Ile)

Gene: BBS12 (Bardet-Biedl syndrome 12; plus strand). Cytogenetic location: 4q27.
Variant type: single nucleotide variant.
Coding change: c.1009G>A on transcript NM_152618.3 (MANE Select); coding-DNA position 1009, G replaced by A.
Protein change: p.Val337Ile; replaces valine 337 with isoleucine.
Molecular consequence: missense variant.
Genome position (GRCh38, 1-based): chr4:122,742,901, G>A. VCF-style: chr4-122742901-G-A. GRCh37 (hg19) VCF-style: chr4-123664056-G-A.
Other names: c.1009G>A, p.Val337Ile (NM_001178007.2); short protein forms V337I.
Identifiers: ClinVar variation 1447494 (VCV001447494.8), dbSNP rs1800906327, ClinGen allele CA358224197.

ClinVar aggregate classification (germline): Uncertain significance (1 of 4 stars; one submission).

Conditions:
Bardet-Biedl syndrome (BBS). Identifiers: Orphanet 110, MedGen C0752166, MONDO:0015229.

Allele frequency attached by ClinVar (database versions not stated): gnomAD exomes below 0.00001.
gnomAD v4.1: 1 of 1,614,220 alleles (0.000062%); highest among the groups gnomAD compares: Non-Finnish European, 0.000085%; no homozygotes.

Submission:

Labcorp Genetics (formerly Invitae), Labcorp
Classification: Uncertain significance for Bardet-Biedl syndrome. Last evaluated: 2021-09-20. Review status: criteria provided, single submitter. Criteria: Invitae Variant Classification Sherloc (09022015). Collection method: clinical testing. Allele origin: germline.
Comment: This sequence change replaces valine with isoleucine at codon 337 of the BBS12 protein (p.Val337Ile). The valine residue is moderately conserved and there is a small physicochemical difference between valine and isoleucine. This variant is not present in population databases (ExAC no frequency). In summary, the available evidence is currently insufficient to determine the role of this variant in disease. Therefore, it has been classified as a Variant of Uncertain Significance. Algorithms developed to predict the effect of missense changes on protein structure and function (SIFT, PolyPhen-2, Align-GVGD) all suggest that this variant is likely to be tolerated, but these predictions have not been confirmed by published functional studies and their clinical significance is uncertain. This variant has not been reported in the literature in individuals with BBS12-related conditions.